The following is an entry in ClinVar:

ClinVar aggregate classification (germline): Uncertain significance. Review status: criteria provided, multiple submitters, no conflicts (2 of 4 stars). 2 submissions from 2 submitters: Uncertain significance (2). Last evaluated 2025-10-22.

Conditions:
Inborn genetic diseases. Identifiers: MedGen C0950123, MeSH D030342.

Allele frequency attached by ClinVar (database versions not stated): gnomAD exomes below 0.00001 and 0.00002; gnomAD 0.00002; TOPMed 0.00001; ExAC 0.00001.
gnomAD v4.1: 32 of 1,613,992 alleles (0.002%); highest among the groups gnomAD compares: African/African-American, 0.0027%; no homozygotes.

Submissions (2):

Ambry Genetics
Classification: Uncertain significance for Inborn genetic diseases. Last evaluated: 2025-10-22. Review status: criteria provided, single submitter. Criteria: Ambry Variant Classification Scheme 2023. Collection method: clinical testing. Allele origin: germline.

GeneDx
Classification: Uncertain significance. Last evaluated: 2021-12-01. Review status: criteria provided, single submitter. Criteria: GeneDx Variant Classification Process June 2021. Collection method: clinical testing. Allele origin: germline. Affected: yes.
Comment: In silico analysis supports that this missense variant does not alter protein structure/function; Has not been previously published as pathogenic or benign to our knowledge

NM_007118.4(TRIO):c.5801A>G (p.Gln1934Arg)

Gene: TRIO (trio Rho guanine nucleotide exchange factor; plus strand). Cytogenetic location: 5p15.2.
Variant type: single nucleotide variant.
Coding change: c.5801A>G on transcript NM_007118.4 (MANE Select); coding-DNA position 5801, A replaced by G.
Protein change: p.Gln1934Arg; replaces glutamine 1934 with arginine.
Molecular consequence: missense variant. On other transcripts: non-coding transcript variant (1).
Genome position (GRCh38, 1-based): chr5:14,471,355, A>G. VCF-style: chr5-14471355-A-G. GRCh37 (hg19) VCF-style: chr5-14471464-A-G.
Other names: short protein forms Q1934R.
Identifiers: ClinVar variation 1327889 (VCV001327889.3), dbSNP rs768080581, ClinGen allele CA3206862.